The following is an entry in ClinVar:

NM_004281.4(BAG3):c.200A>T (p.Asn67Ile)

Gene: BAG3 (BAG cochaperone 3; plus strand). Cytogenetic location: 10q26.11.
Variant type: single nucleotide variant.
Coding change: c.200A>T on transcript NM_004281.4 (MANE Select); coding-DNA position 200, A replaced by T.
Protein change: p.Asn67Ile; replaces asparagine 67 with isoleucine.
Molecular consequence: missense variant.
Genome position (GRCh38, 1-based): chr10:119,669,870, A>T. VCF-style: chr10-119669870-A-T. GRCh37 (hg19) VCF-style: chr10-121429382-A-T.
Other names: short protein forms N67I.
Identifiers: ClinVar variation 2952705 (VCV002952705.3), dbSNP rs572036022, ClinGen allele CA378294633.

ClinVar aggregate classification (germline): Uncertain significance (1 of 4 stars; one submission).

Conditions:
Dilated cardiomyopathy 1HH (CMD1HH). Identifiers: Orphanet 154, MedGen C3151293, MONDO:0013479, OMIM 613881.
Myofibrillar myopathy 6. Identifiers: Orphanet 199340, MedGen C2751831, MONDO:0013061, OMIM 612954.

Submission:

Labcorp Genetics (formerly Invitae), Labcorp
Classification: Uncertain significance for Dilated cardiomyopathy 1HH; Myofibrillar myopathy 6. Last evaluated: 2023-11-24. Review status: criteria provided, single submitter. Criteria: Invitae Variant Classification Sherloc (09022015). Collection method: clinical testing. Allele origin: germline.
Comment: This sequence change replaces asparagine, which is neutral and polar, with isoleucine, which is neutral and non-polar, at codon 67 of the BAG3 protein (p.Asn67Ile). This variant is not present in population databases (gnomAD no frequency). This variant has not been reported in the literature in individuals affected with BAG3-related conditions. Advanced modeling of protein sequence and biophysical properties (such as structural, functional, and spatial information, amino acid conservation, physicochemical variation, residue mobility, and thermodynamic stability) performed at Invitae indicates that this missense variant is expected to disrupt BAG3 protein function with a positive predictive value of 80%. In summary, the available evidence is currently insufficient to determine the role of this variant in disease. Therefore, it has been classified as a Variant of Uncertain Significance.